The following is an entry in ClinVar:

ClinVar aggregate classification (germline): Uncertain significance. Review status: criteria provided, multiple submitters, no conflicts (2 of 4 stars). 2 submissions from 2 submitters: Uncertain significance (2). Last evaluated 2025-05-22.

Conditions:
Inborn genetic diseases. Identifiers: MedGen C0950123, MeSH D030342.

Allele frequency attached by ClinVar (database versions not stated): gnomAD 0.00001; TOPMed 0.00001; gnomAD exomes 0.00001.
gnomAD v4.1: 11 of 1,613,742 alleles (0.00068%); highest among the groups gnomAD compares: East Asian, 0.0022%; no homozygotes.

Submissions (2):

Greenwood Genetic Center Diagnostic Laboratories, Greenwood Genetic Center
Classification: Uncertain significance. Last evaluated: 2025-05-22. Review status: criteria provided, single submitter. Criteria: ACMG Guidelines, 2015. Collection method: clinical testing. Allele origin: germline. Affected: yes.
Comment: PP2, PP3

Ambry Genetics
Classification: Uncertain significance for Inborn genetic diseases. Last evaluated: 2024-02-13. Review status: criteria provided, single submitter. Criteria: Ambry Variant Classification Scheme 2023. Collection method: clinical testing. Allele origin: germline.

NM_001394062.1(MACF1):c.2660G>A (p.Cys887Tyr)

Gene: MACF1 (microtubule actin crosslinking factor 1; plus strand). Cytogenetic location: 1p34.3.
Variant type: single nucleotide variant.
Coding change: c.2660G>A on transcript NM_001394062.1 (MANE Select); coding-DNA position 2660, G replaced by A.
Protein change: p.Cys887Tyr; replaces cysteine 887 with tyrosine.
Molecular consequence: missense variant.
Genome position (GRCh38, 1-based): chr1:39,302,949, G>A. VCF-style: chr1-39302949-G-A. GRCh37 (hg19) VCF-style: chr1-39768621-G-A.
Other names: c.2675G>A, p.Cys892Tyr (NM_012090.5); short protein forms C887Y, C892Y.
Identifiers: ClinVar variation 3121877 (VCV003121877.2), dbSNP rs1379344348, ClinGen allele CA339774318.